The following is an entry in ClinVar:

ClinVar aggregate classification (germline): Likely pathogenic (1 of 4 stars; one submission).

Allele frequency attached by ClinVar (database versions not stated): ExAC 0.00001; gnomAD 0.00001; gnomAD exomes 0.00001; TOPMed 0.00001.
gnomAD v4.1: 18 of 1,612,810 alleles (0.0011%); highest among the groups gnomAD compares: Non-Finnish European, 0.0014%; no homozygotes.

Submission:

Labcorp Genetics (formerly Invitae), Labcorp
Classification: Likely pathogenic. Last evaluated: 2023-07-25. Review status: criteria provided, single submitter. Criteria: Invitae Variant Classification Sherloc (09022015). Collection method: clinical testing. Allele origin: germline.
Comment: In summary, the currently available evidence indicates that the variant is pathogenic, but additional data are needed to prove that conclusively. Therefore, this variant has been classified as Likely Pathogenic. Algorithms developed to predict the effect of sequence changes on RNA splicing suggest that this variant may disrupt the consensus splice site. This variant has not been reported in the literature in individuals affected with C17orf62-related conditions. This variant is present in population databases (rs755219790, gnomAD 0.004%). This sequence change affects an acceptor splice site in intron 4 of the C17orf62 gene. It is expected to disrupt RNA splicing. Variants that disrupt the donor or acceptor splice site typically lead to a loss of protein function (PMID: 16199547), and loss-of-function variants in C17orf62 are known to be pathogenic (PMID: 28351984, 30361506).

Literature cited by the submitters: PubMed 16199547; PubMed 28351984; PubMed 30361506.

NM_001033046.4(CYBC1):c.202-2A>C

Gene: CYBC1 (cytochrome b-245 chaperone 1; minus strand). Cytogenetic location: 17q25.3.
Variant type: single nucleotide variant.
Coding change: c.202-2A>C on transcript NM_001033046.4 (MANE Select); the canonical splice acceptor site of the intron before coding-DNA position 202, A replaced by C.
Molecular consequence: splice acceptor variant.
Genome position (GRCh38, 1-based): chr17:82,445,962, T>G on the plus strand (A>C on the coding strand, the complement: CYBC1 is on the minus strand). VCF-style: chr17-82445962-T-G. GRCh37 (hg19) VCF-style: chr17-80403838-T-G.
Other names: c.160-2A>C (NM_001100408.3); c.202-2A>C (NM_001100407.3, NM_001193657.2, NM_001193654.2 and 2 more transcripts).
Identifiers: ClinVar variation 2786575 (VCV002786575.3), dbSNP rs755219790, ClinGen allele CA8858301.